The following is an entry in ClinVar:

ClinVar aggregate classification (germline): Uncertain significance. Review status: criteria provided, multiple submitters, no conflicts (2 of 4 stars). 2 submissions from 2 submitters: Uncertain significance (2). Last evaluated 2024-11-15.

Conditions:
Severe early-onset pulmonary alveolar proteinosis due to MARS deficiency. Also called: PULMONARY ALVEOLAR PROTEINOSIS, REUNION ISLAND; Interstitial lung and liver disease. Identifiers: Orphanet 440427, MedGen C4225400, MONDO:0014206, OMIM 615486.
Charcot-Marie-Tooth disease axonal type 2U. Also called: CHARCOT-MARIE-TOOTH NEUROPATHY, TYPE 2U; CHARCOT-MARIE-TOOTH DISEASE, AXONAL, AUTOSOMAL DOMINANT, TYPE 2U. Identifiers: Orphanet 397735, MedGen C4084821, MONDO:0014566, OMIM 616280.

Allele frequency attached by ClinVar (database versions not stated): gnomAD exomes 0.00004; ExAC 0.00005; gnomAD 0.00006.
gnomAD v4.1: 64 of 1,614,116 alleles (0.004%); highest among the groups gnomAD compares: Admixed American, 0.012%; no homozygotes.

Submissions (2):

Ambry Genetics
Classification: Uncertain significance. Last evaluated: 2024-11-15. Review status: criteria provided, single submitter. Criteria: Ambry Variant Classification Scheme 2023. Collection method: clinical testing. Allele origin: germline.

Labcorp Genetics (formerly Invitae), Labcorp
Classification: Uncertain significance for Charcot-Marie-Tooth disease axonal type 2U; Severe early-onset pulmonary alveolar proteinosis due to MARS deficiency. Last evaluated: 2024-07-16. Review status: criteria provided, single submitter. Criteria: Invitae Variant Classification Sherloc (09022015). Collection method: clinical testing. Allele origin: germline.
Comment: This sequence change replaces valine, which is neutral and non-polar, with leucine, which is neutral and non-polar, at codon 746 of the MARS protein (p.Val746Leu). This variant is present in population databases (rs765690389, gnomAD 0.007%). This variant has not been reported in the literature in individuals affected with MARS-related conditions. ClinVar contains an entry for this variant (Variation ID: 1681781). An algorithm developed to predict the effect of missense changes on protein structure and function (PolyPhen-2) suggests that this variant is likely to be tolerated. In summary, the available evidence is currently insufficient to determine the role of this variant in disease. Therefore, it has been classified as a Variant of Uncertain Significance.

NM_004990.4(MARS1):c.2236G>T (p.Val746Leu)

Gene: MARS1 (methionyl-tRNA synthetase 1; plus strand). Cytogenetic location: 12q13.3.
Variant type: single nucleotide variant.
Coding change: c.2236G>T on transcript NM_004990.4 (MANE Select); coding-DNA position 2236, G replaced by T.
Protein change: p.Val746Leu; replaces valine 746 with leucine.
Molecular consequence: missense variant.
Genome position (GRCh38, 1-based): chr12:57,515,181, G>T. VCF-style: chr12-57515181-G-T. GRCh37 (hg19) VCF-style: chr12-57908964-G-T.
Other names: c.2236G>T (NM_004990.3); short protein forms V746L.
Identifiers: ClinVar variation 1681781 (VCV001681781.9), dbSNP rs765690389, ClinGen allele CA6650753.